The following is an entry in ClinVar:

ClinVar aggregate classification (germline): Uncertain significance (1 of 4 stars; one submission).

Conditions:
Mitochondrial DNA depletion syndrome 9 (MTDPS9). Also called: SUCLG1-Related Mitochondrial DNA Depletion Syndrome, Encephalomyopathic Form with Methylmalonic Aciduria. Identifiers: Orphanet 17, MedGen C3151476, MONDO:0009504, OMIM 245400.

Allele frequency attached by ClinVar (database versions not stated): gnomAD 0.00002; TOPMed 0.00002; gnomAD exomes 0.00004.
gnomAD v4.1: 59 of 1,550,514 alleles (0.0038%); highest among the groups gnomAD compares: Non-Finnish European, 0.0047%; no homozygotes.

Submission:

Labcorp Genetics (formerly Invitae), Labcorp
Classification: Uncertain significance for Mitochondrial DNA depletion syndrome 9. Last evaluated: 2021-09-01. Review status: criteria provided, single submitter. Criteria: Invitae Variant Classification Sherloc (09022015). Collection method: clinical testing. Allele origin: germline.
Comment: This sequence change replaces threonine with isoleucine at codon 13 of the SUCLG1 protein (p.Thr13Ile). The threonine residue is weakly conserved and there is a moderate physicochemical difference between threonine and isoleucine. This variant is not present in population databases (ExAC no frequency). This variant has not been reported in the literature in individuals affected with SUCLG1-related conditions. Algorithms developed to predict the effect of missense changes on protein structure and function output the following: SIFT: "Deleterious"; PolyPhen-2: "Not Available"; Align-GVGD: "Class C0". The isoleucine amino acid residue is found in multiple mammalian species, which suggests that this missense change does not adversely affect protein function. In summary, the available evidence is currently insufficient to determine the role of this variant in disease. Therefore, it has been classified as a Variant of Uncertain Significance.

NM_003849.4(SUCLG1):c.38C>T (p.Thr13Ile)

Gene: SUCLG1 (succinate-CoA ligase GDP/ADP-forming subunit alpha; minus strand). Cytogenetic location: 2p11.2.
Variant type: single nucleotide variant.
Coding change: c.38C>T on transcript NM_003849.4 (MANE Select); coding-DNA position 38, C replaced by T.
Protein change: p.Thr13Ile; replaces threonine 13 with isoleucine.
Molecular consequence: missense variant.
Genome position (GRCh38, 1-based): chr2:84,459,232, G>A on the plus strand (C>T on the coding strand, the complement: SUCLG1 is on the minus strand). VCF-style: chr2-84459232-G-A. GRCh37 (hg19) VCF-style: chr2-84686356-G-A.
Other names: short protein forms T13I.
Identifiers: ClinVar variation 2167918 (VCV002167918.1), dbSNP rs1245679918, ClinGen allele CA347518564.